The following is an entry in ClinVar:

ClinVar aggregate classification (germline): Pathogenic. Review status: criteria provided, multiple submitters, no conflicts (2 of 4 stars). 6 submissions from 6 submitters: Pathogenic (5). 1 of the submissions does not count toward it. Last evaluated 2025-09-22.

Conditions:
Corneal dystrophy. Identifiers: Orphanet 34533, MedGen C0010036, MONDO:0018102, HP:0001131.
Congenital hereditary endothelial dystrophy of cornea. Also called: Congenital hereditary endothelial dystrophy type II; CORNEAL DYSTROPHY, CONGENITAL HEREDITARY ENDOTHELIAL; Corneal endothelial dystrophy, autosomal recessive; Congenital hereditary endothelial dystrophy of the cornea; Maumenee corneal dystrophy. Identifiers: Orphanet 293603, MedGen C1857569, MONDO:0009019, OMIM 217700.
Corneal dystrophy-perceptive deafness syndrome (CDPD). Also called: CORNEAL DYSTROPHY AND SENSORINEURAL DEAFNESS; HARBOYAN SYNDROME. Identifiers: Orphanet 1490, MedGen C1857572, MONDO:0009015, OMIM 217400.

Submissions (6):

Genetics Laboratory, Great Ormond Street Hospital NHS Foundation Trust, North Thames Genomic Laboratory Hub
Classification: Pathogenic for Corneal dystrophy. Last evaluated: 2025-09-22. Review status: criteria provided, single submitter. Criteria: ACGS Best Practice Guidelines for Variant Classification in Rare Disease 2024 v1.2. Collection method: clinical testing. Allele origin: germline. Affected: yes.
Comment: PM2_moderate, PVS1_very-strong, PM3_moderate

Natera, Inc.
Classification: Pathogenic for Corneal dystrophy-perceptive deafness syndrome. Last evaluated: 2025-04-14. Review status: criteria provided, single submitter. Criteria: Natera Variant Classification Schema (03/2026). Collection method: clinical testing. Allele origin: germline.
Comment: The c.473_480delGCTTCGCC variant in SLC4A11 is a frameshift variant predicted to shift the reading frame beginning at codon 158 and leads to a stop codon 4 codons downstream. This variant is expected to result in nonsense mediated decay, truncation, or a dysfunctional protein product. This variant is rare in the general population with a frequency below the threshold expected for the associated phenotype(s). This variant has been observed in one or more individuals affected with the associated recessive disease, as either homozygous or compound heterozygous with a second variant (PMID: 36037197). Additionally, this variant has been observed to segregate in affected family members (PMID: 36037197). Given the available evidence, this variant is classified as Pathogenic.

Labcorp Genetics (formerly Invitae), Labcorp
Classification: Pathogenic. Last evaluated: 2023-11-07. Review status: criteria provided, single submitter. Criteria: Invitae Variant Classification Sherloc (09022015). Collection method: clinical testing. Allele origin: germline.
Comment: This sequence change creates a premature translational stop signal (p.Arg158Glnfs*4) in the SLC4A11 gene. It is expected to result in an absent or disrupted protein product. Loss-of-function variants in SLC4A11 are known to be pathogenic (PMID: 17220209, 17679935). This variant is not present in population databases (gnomAD no frequency). This premature translational stop signal has been observed in individual(s) with clinical features of autosomal recessive congenital hereditary endothelial dystrophy (PMID: 17220209, 17679935). ClinVar contains an entry for this variant (Variation ID: 1312). For these reasons, this variant has been classified as Pathogenic.

Revvity Omics, Revvity
Classification: Pathogenic. Last evaluated: 2020-07-23. Review status: criteria provided, single submitter. Criteria: ACMG Guidelines, 2015. Collection method: clinical testing. Allele origin: germline.

Neuberg Centre For Genomic Medicine, NCGM
Classification: Pathogenic for Congenital hereditary endothelial dystrophy of cornea. Review status: criteria provided, single submitter. Criteria: ACMG Guidelines, 2015. Collection method: clinical testing. Allele origin: germline. Inheritance: Autosomal recessive inheritance. Affected: yes.
Comment: The frameshift c.425_432del p.Arg142GlnfsTer4 variant in SLC4A11 gene has been previously reported in multiple individuals affected with corneal endothelial dystrophy Desir et al., 2007; Sultana et al., 2007. The p.Arg142GlnfsTer4 variant is novel not in any individuals in gnomAD Exomes and 1000 Genomes. This variant has been reported to the ClinVar database as Pathogenic multiple submissions. The variant p.Arg142GlnfsTer4 causes a frameshift change starting with codon Arginine 142, changes this amino acid to Glutamine residue, and creates a premature Stop codon at position 4 of the new reading frame, denoted p.Arg142GlnfsTer4. This variant is predicted to cause loss of normal protein function through protein truncation. Loss of function variants have been previously reported to be disease causing. For these reasons, this variant has been classified as Pathogenic.

OMIM
Classification: Pathogenic for CORNEAL DYSTROPHY AND PERCEPTIVE DEAFNESS. Last evaluated: 2007-05-01. Review status: no assertion criteria provided. Collection method: literature only. Allele origin: germline. Not counted in ClinVar's aggregate classification.

Literature cited by the submitters: PubMed 36037197 (cited by Natera, Inc.); PubMed 17220209 (cited by Labcorp Genetics (formerly Invitae), Labcorp and OMIM); PubMed 17679935 (cited by Labcorp Genetics (formerly Invitae), Labcorp).

NM_001174089.2(SLC4A11):c.425_432del (p.Arg142fs)

Gene: SLC4A11 (solute carrier family 4 member 11; minus strand). Cytogenetic location: 20p13.
Variant type: Microsatellite.
Coding change: c.425_432del on transcript NM_001174089.2 (MANE Select); coding-DNA positions 425 to 432, 8 bases deleted (GCTTCGCC; older notation c.425_432delGCTTCGCC).
Protein change: p.Arg142fs; shifts the reading frame from arginine 142.
Molecular consequence: frameshift variant. On other transcripts: non-coding transcript variant (1).
Genome position (GRCh38, 1-based): chr20:3,234,174-3,234,181, GGCGAAGC deleted on the plus strand (GCTTCGCC on the coding strand, the reverse complement: SLC4A11 is on the minus strand); deleting any 8 consecutive bases within chr20:3,234,174-3,234,189 gives the same sequence; the c. name uses the placement nearest the transcript's 3' end. VCF-style (leftmost placement, unchanged base first): chr20-3234173-TGGCGAAGC-T. GRCh37 (hg19) VCF-style: chr20-3214819-TGGCGAAGC-T.
Other names: c.473_480del (NM_032034.3); c.473_480delGCTTCGCC (NM_032034.3); c.554_561del, p.Arg185fs (NM_001174090.2); c.425_432del, p.Arg142fs (NM_001363745.2); c.473_480del, p.Arg158fs (NM_032034.4); short protein forms R185fs, R158fs, R142fs.
Identifiers: ClinVar variation 1312 (VCV000001312.17), dbSNP rs869320721, ClinGen allele CA358681.
Genomic context (GRCh38, chr20:3,234,173, plus strand): 5'-TGAAGAGCATGGCCATGAGCAGGTCCAGGTTGCAGTTGGGCTCATTGTTGTCAGGGTCCC[TGGCGAAGC>T]GGCGAAGCATGGTCCGCAGCACGTTATCCAGGGAGGTGGCCGTCTCGTTCAGGACGATGC-3'